The following is an entry in ClinVar:

ClinVar aggregate classification (germline): Likely pathogenic. Review status: criteria provided, single submitter (1 of 4 stars). 2 submissions from 1 submitter: Likely pathogenic (1). 1 of the submissions does not count toward it. Last evaluated 2024-03-14.

Conditions:
Hereditary spastic paraplegia 2 (SPG2). Also called: SPASTIC PARAPLEGIA 2, X-LINKED; Spastic Paraplegia 2 (SPG2). Identifiers: Orphanet 99015, MedGen C0751604, MONDO:0010733, OMIM 312920.

Submissions (2):

Genomic Medicine Center of Excellence, King Faisal Specialist Hospital and Research Centre
Classification: Likely pathogenic for Hereditary spastic paraplegia 2. Last evaluated: 2024-03-14. Review status: criteria provided, single submitter. Criteria: ACMG Guidelines, 2015. Collection method: research. Allele origin: germline.

Genomic Medicine Center of Excellence, King Faisal Specialist Hospital and Research Centre
Classification: Likely pathogenic. Review status: flagged submission. Criteria: ACMG Guidelines, 2015. Collection method: research. Allele origin: germline. Affected: yes. Not counted in ClinVar's aggregate classification.
ClinVar note: Reason: This record appears to be redundant with a more recent record from the same submitter.
ClinVar note: Notes: SCV000221640 appears to be redundant with SCV004801188.

NM_000533.5(PLP1):c.650G>A (p.Gly217Asp)

Genes: RAB9B (RAB9B, member RAS oncogene family; minus strand), PLP1 (proteolipid protein 1; plus strand). Cytogenetic location: Xq22.2.
Variant type: single nucleotide variant.
Coding change: c.650G>A on transcript NM_000533.5 (MANE Select); coding-DNA position 650, G replaced by A.
Protein change: p.Gly217Asp; replaces glycine 217 with aspartic acid.
Molecular consequence: missense variant.
Genome position (GRCh38, 1-based): chrX:103,788,464, G>A. VCF-style: chrX-103788464-G-A. GRCh37 (hg19) VCF-style: chrX-103043393-G-A.
Other names: c.650G>A, p.Gly217Asp (NM_001128834.3); c.485G>A, p.Gly162Asp (NM_001305004.1); c.545G>A, p.Gly182Asp (NM_199478.3); short protein forms G217D, G162D, G182D.
Identifiers: ClinVar variation 191252 (VCV000191252.3), dbSNP rs786205605, ClinGen allele CA236360.